The following is an entry in ClinVar:

NM_005458.8(GABBR2):c.1530G>A (p.Lys510=)

Gene: GABBR2 (gamma-aminobutyric acid type B receptor subunit 2; minus strand). Cytogenetic location: 9q22.33.
Variant type: single nucleotide variant.
Coding change: c.1530G>A on transcript NM_005458.8 (MANE Select); coding-DNA position 1530, G replaced by A.
Protein change: p.Lys510=; no amino-acid change (lysine 510 retained).
Molecular consequence: synonymous variant.
Genome position (GRCh38, 1-based): chr9:98,385,772, C>T on the plus strand (G>A on the coding strand, the complement: GABBR2 is on the minus strand). VCF-style: chr9-98385772-C-T. GRCh37 (hg19) VCF-style: chr9-101148054-C-T.
Identifiers: ClinVar variation 4710988 (VCV004710988.1).
Genomic context (GRCh38, chr9:98,385,772, plus strand): 5'-GGAGAGCATCCCTCCAAGGATGATAAGGTTGTTCATGTATGGACTCGACATCTTTATGAG[C>T]CTGACAAGAGAAAGAGACAATAGATTTAACAGAATGGTTAATTTAGTTATTCCTTCAACA-3'
Protein context (NP_005449.5, residues 500-520): LFFNIKNRNQ[Lys510=]LIKMSSPYMN

ClinVar aggregate classification (germline): Uncertain significance (1 of 4 stars; one submission).

Conditions:
Epileptic encephalopathy. Identifiers: MedGen C0543888, HP:0200134.

gnomAD v4.1: 1 of 1,608,332 alleles (0.000062%); highest among the groups gnomAD compares: Non-Finnish European, 0.000085%; no homozygotes.

Submission:

Labcorp Genetics (formerly Invitae), Labcorp
Classification: Uncertain significance for Epileptic encephalopathy. Last evaluated: 2025-12-28. Review status: criteria provided, single submitter. Criteria: Invitae Variant Classification Sherloc (09022015). Collection method: clinical testing. Allele origin: germline.
Comment: This sequence change affects codon 510 of the GABBR2 mRNA. It is a 'silent' change, meaning that it does not change the encoded amino acid sequence of the GABBR2 protein. It affects a nucleotide within the consensus splice site. This variant is not present in population databases (gnomAD no frequency). This variant has not been reported in the literature in individuals affected with GABBR2-related conditions. Algorithms developed to predict the effect of sequence changes on RNA splicing suggest that this variant is not likely to affect RNA splicing. In summary, the available evidence is currently insufficient to determine the role of this variant in disease. Therefore, it has been classified as a Variant of Uncertain Significance.